The following is an entry in ClinVar:

NM_014704.4(CEP104):c.*38A>C

Gene: CEP104 (centrosomal protein 104; minus strand). Cytogenetic location: 1p36.32.
Variant type: single nucleotide variant.
Coding change: c.*38A>C on transcript NM_014704.4 (MANE Select); 38 bases downstream of the stop codon, A replaced by C.
Molecular consequence: 3 prime UTR variant.
Genome position (GRCh38, 1-based): chr1:3,815,364, T>G on the plus strand (A>C on the coding strand, the complement: CEP104 is on the minus strand). VCF-style: chr1-3815364-T-G. GRCh37 (hg19) VCF-style: chr1-3731928-T-G.
Identifiers: ClinVar variation 3389366 (VCV003389366.14).
Genomic context (GRCh38, chr1:3,815,364, plus strand): 5'-AGCATGGGGCCACCAAGGCCAGAGAGTTCTGGAGAGATGGTGTAGAATCAGGAGACCCGC[T>G]CCATCCCTCACAGAGACCAAGGAGCCCGAGCGCCGCGTCAGCGCTTGGCGTACGTCCTGC-3'

ClinVar aggregate classification (germline): Likely benign (1 of 4 stars; one submission).

gnomAD v4.1: 33 of 1,451,886 alleles (0.0023%); highest among the groups gnomAD compares: South Asian, 0.011%; no homozygotes.

Submission:

CeGaT Center for Human Genetics Tuebingen
Classification: Likely benign. Last evaluated: 2024-10-01. Review status: criteria provided, single submitter. Criteria: CeGaT Center For Human Genetics Tuebingen Variant Classification Criteria Version 2. Collection method: clinical testing. Allele origin: germline. Affected: yes. Observed: 1 variant allele.
Comment: CEP104: BP4, BP7